The following is an entry in ClinVar:

NM_005228.5(EGFR):c.2495G>A (p.Arg832His)

Gene: EGFR (epidermal growth factor receptor; plus strand). Cytogenetic location: 7p11.2.
Variant type: single nucleotide variant.
Coding change: c.2495G>A on transcript NM_005228.5 (MANE Select); coding-DNA position 2495, G replaced by A.
Protein change: p.Arg832His; replaces arginine 832 with histidine.
Molecular consequence: missense variant.
Genome position (GRCh38, 1-based): chr7:55,191,744, G>A. VCF-style: chr7-55191744-G-A. GRCh37 (hg19) VCF-style: chr7-55259437-G-A.
Other names: c.2360G>A, p.Arg787His (NM_001346899.2, NM_001346897.2); c.2336G>A, p.Arg779His (NM_001346900.2); c.1694G>A, p.Arg565His (NM_001346941.2); c.2495G>A, p.Arg832His (NM_001346898.2); c.2495G>A (NM_005228.3); short protein forms R565H, R779H, R787H, R832H.
Identifiers: ClinVar variation 1063123 (VCV001063123.10), dbSNP rs772091823, ClinGen allele CA4266106.

ClinVar aggregate classification (germline): Uncertain significance. Review status: criteria provided, multiple submitters, no conflicts (2 of 4 stars). 2 submissions from 2 submitters: Uncertain significance (2). Last evaluated 2025-05-16.

Conditions:
Hereditary cancer-predisposing syndrome. Also called: Hereditary Cancer Syndrome; Hereditary neoplastic syndrome; Neoplastic Syndromes, Hereditary; Tumor predisposition. Identifiers: Orphanet 140162, MedGen C0027672, MeSH D009386, MONDO:0015356.
EGFR-related lung cancer (EGFR). Identifiers: MedGen CN130014.

Allele frequency attached by ClinVar (database versions not stated): gnomAD 0.00001; gnomAD exomes 0.00001; ExAC 0.00002.
gnomAD v4.1: 11 of 1,613,936 alleles (0.00068%); highest among the groups gnomAD compares: East Asian, 0.0022%; no homozygotes.

Submissions (2):

Ambry Genetics
Classification: Uncertain significance for Hereditary cancer-predisposing syndrome. Last evaluated: 2025-05-16. Review status: criteria provided, single submitter. Criteria: Ambry Variant Classification Scheme 2023. Collection method: clinical testing. Allele origin: germline.
Comment: The p.R832H variant (also known as c.2495G>A), located in coding exon 21 of the EGFR gene, results from a G to A substitution at nucleotide position 2495. The arginine at codon 832 is replaced by histidine, an amino acid with highly similar properties. This amino acid position is well conserved in available vertebrate species. In addition, the in silico prediction for this alteration is inconclusive. Based on the available evidence, the clinical significance of this variant remains unclear.

Labcorp Genetics (formerly Invitae), Labcorp
Classification: Uncertain significance for EGFR-related lung cancer. Last evaluated: 2024-08-31. Review status: criteria provided, single submitter. Criteria: Invitae Variant Classification Sherloc (09022015). Collection method: clinical testing. Allele origin: germline.
Comment: This sequence change replaces arginine, which is basic and polar, with histidine, which is basic and polar, at codon 832 of the EGFR protein (p.Arg832His). This variant is present in population databases (rs772091823, gnomAD 0.003%). This variant has not been reported in the literature in individuals affected with EGFR-related conditions. ClinVar contains an entry for this variant (Variation ID: 1063123). Invitae Evidence Modeling of protein sequence and biophysical properties (such as structural, functional, and spatial information, amino acid conservation, physicochemical variation, residue mobility, and thermodynamic stability) indicates that this missense variant is not expected to disrupt EGFR protein function with a negative predictive value of 80%. Experimental studies have shown that this missense change does not substantially affect EGFR function (PMID: 25382819). In summary, the available evidence is currently insufficient to determine the role of this variant in disease. Therefore, it has been classified as a Variant of Uncertain Significance.

Literature cited by the submitters: PubMed 25382819 (cited by Labcorp Genetics (formerly Invitae), Labcorp).